The following is an entry in ClinVar:

NM_000431.4(MVK):c.79-2A>G

Gene: MVK (mevalonate kinase; plus strand). Cytogenetic location: 12q24.11.
Variant type: single nucleotide variant.
Coding change: c.79-2A>G on transcript NM_000431.4 (MANE Select); the canonical splice acceptor site of the intron before coding-DNA position 79, A replaced by G.
Molecular consequence: splice acceptor variant.
Genome position (GRCh38, 1-based): chr12:109,575,996, A>G. VCF-style: chr12-109575996-A-G. GRCh37 (hg19) VCF-style: chr12-110013801-A-G.
Other names: c.79-2A>G (NM_001414511.1, NM_001414512.1, NM_001414513.1 and 3 more transcripts); c.-504-2A>G (NM_001414515.1).
Identifiers: ClinVar variation 943304 (VCV000943304.8), dbSNP rs1884932883, ClinGen allele CA386643173.

ClinVar aggregate classification (germline): Likely pathogenic. Review status: criteria provided, multiple submitters, no conflicts (2 of 4 stars). 2 submissions from 2 submitters: Likely pathogenic (2). Last evaluated 2025-01-06.

Conditions:
Hyperimmunoglobulin D with periodic fever (HIDS). Also called: HYPERIMMUNOGLOBULINEMIA D AND PERIODIC FEVER SYNDROME; Hyperimmunoglobulinemia D with periodic fever; Hyperimmunoglobulinemia D. Identifiers: Orphanet 343, MedGen C0398691, MONDO:0009849, OMIM 260920.
Mevalonic aciduria (MEVA). Identifiers: Orphanet 29, MedGen C1959626, MONDO:0012481, OMIM 610377.
Porokeratosis 3, disseminated superficial actinic type (POROK3). Also called: POROKERATOSIS, DISSEMINATED SUPERFICIAL ACTINIC, 1; POROKERATOSIS 3, MULTIPLE TYPES; POROKERATOSIS 3, MIBELLI TYPE. Identifiers: MedGen C1867981, MONDO:0008293, OMIM 175900.

Submissions (2):

Labcorp Genetics (formerly Invitae), Labcorp
Classification: Likely pathogenic for Mevalonic aciduria; Hyperimmunoglobulin D with periodic fever; Porokeratosis 3, disseminated superficial actinic type. Last evaluated: 2025-01-06. Review status: criteria provided, single submitter. Criteria: Invitae Variant Classification Sherloc (09022015). Collection method: clinical testing. Allele origin: germline.
Comment: This sequence change affects an acceptor splice site in intron 2 of the MVK gene. It is expected to disrupt RNA splicing. Variants that disrupt the donor or acceptor splice site typically lead to a loss of protein function (PMID: 16199547), and loss-of-function variants in MVK are known to be pathogenic (PMID: 16835861, 17105862, 23834120). This variant is not present in population databases (gnomAD no frequency). This variant has not been reported in the literature in individuals affected with MVK-related conditions. ClinVar contains an entry for this variant (Variation ID: 943304). Algorithms developed to predict the effect of sequence changes on RNA splicing suggest that this variant may disrupt the consensus splice site. In summary, the currently available evidence indicates that the variant is pathogenic, but additional data are needed to prove that conclusively. Therefore, this variant has been classified as Likely Pathogenic.

Laboratorio de Genetica e Diagnostico Molecular, Hospital Israelita Albert Einstein
Classification: Likely pathogenic for Hyperimmunoglobulin D with periodic fever. Last evaluated: 2022-04-29. Review status: criteria provided, single submitter. Criteria: ACMG Guidelines, 2015. Collection method: clinical testing. Allele origin: germline. Affected: yes. Observed: 1 variant allele.
Comment: ACMG classification criteria: PVS1 very strong, PM2 moderated

Literature cited by the submitters: PubMed 16199547 (cited by Labcorp Genetics (formerly Invitae), Labcorp); PubMed 16835861 (cited by Labcorp Genetics (formerly Invitae), Labcorp); PubMed 17105862 (cited by Labcorp Genetics (formerly Invitae), Labcorp); PubMed 23834120 (cited by Labcorp Genetics (formerly Invitae), Labcorp).